The following is an entry in ClinVar:

NM_022765.4(MICAL1):c.586G>A (p.Ala196Thr)

Gene: MICAL1 (microtubule associated monooxygenase, calponin and LIM domain containing 1; minus strand). Cytogenetic location: 6q21.
Variant type: single nucleotide variant.
Coding change: c.586G>A on transcript NM_022765.4 (MANE Select); coding-DNA position 586, G replaced by A.
Protein change: p.Ala196Thr; replaces alanine 196 with threonine.
Molecular consequence: missense variant.
Genome position (GRCh38, 1-based): chr6:109,452,601, C>T on the plus strand (G>A on the coding strand, the complement: MICAL1 is on the minus strand). VCF-style: chr6-109452601-C-T. GRCh37 (hg19) VCF-style: chr6-109773804-C-T.
Other names: c.586G>A, p.Ala196Thr (NM_001159291.2); c.643G>A, p.Ala215Thr (NM_001286613.2); short protein forms A215T, A196T.
Identifiers: ClinVar variation 3126131 (VCV003126131.3), dbSNP rs1283702635, ClinGen allele CA365232989.

ClinVar aggregate classification (germline): Uncertain significance. Review status: criteria provided, multiple submitters, no conflicts (2 of 4 stars). 2 submissions from 2 submitters: Uncertain significance (2). Last evaluated 2024-06-16.

Allele frequency attached by ClinVar (database versions not stated): gnomAD exomes below 0.00001; gnomAD 0.00001; TOPMed 0.00002.
gnomAD v4.1: 4 of 1,611,448 alleles (0.00025%); highest among the groups gnomAD compares: East Asian, 0.0089%; no homozygotes.

Submissions (2):

Labcorp Genetics (formerly Invitae), Labcorp
Classification: Uncertain significance. Last evaluated: 2024-06-16. Review status: criteria provided, single submitter. Criteria: Invitae Variant Classification Sherloc (09022015). Collection method: clinical testing. Allele origin: germline.
Comment: This sequence change replaces alanine, which is neutral and non-polar, with threonine, which is neutral and polar, at codon 215 of the MICAL1 protein (p.Ala215Thr). This variant is present in population databases (no rsID available, gnomAD 0.03%). This variant has not been reported in the literature in individuals affected with MICAL1-related conditions. An algorithm developed to predict the effect of missense changes on protein structure and function (PolyPhen-2) suggests that this variant is likely to be disruptive. In summary, the available evidence is currently insufficient to determine the role of this variant in disease. Therefore, it has been classified as a Variant of Uncertain Significance.

Ambry Genetics
Classification: Uncertain significance. Last evaluated: 2023-09-26. Review status: criteria provided, single submitter. Criteria: Ambry Variant Classification Scheme 2023. Collection method: clinical testing. Allele origin: germline.